The following is an entry in ClinVar:

ClinVar aggregate classification (germline): Uncertain significance (1 of 4 stars; one submission).

Conditions:
Desmosterolosis. Identifiers: Orphanet 35107, MedGen C1865596, MONDO:0011217, OMIM 602398.

Allele frequency attached by ClinVar (database versions not stated): gnomAD exomes below 0.00001.
gnomAD v4.1: 1 of 1,614,162 alleles (0.000062%); highest among the groups gnomAD compares: Non-Finnish European, 0.000085%; no homozygotes.

Submission:

Baylor Genetics
Classification: Uncertain significance for Desmosterolosis. Last evaluated: 2017-09-01. Review status: criteria provided, single submitter. Criteria: ACMG Guidelines, 2015. Collection method: clinical testing. Allele origin: maternal. Inheritance: Autosomal recessive inheritance. Affected: yes.

Literature cited by the submitters: PubMed 25326635.

NM_014762.4(DHCR24):c.500T>C (p.Leu167Ser)

Gene: DHCR24 (24-dehydrocholesterol reductase; minus strand). Cytogenetic location: 1p32.3.
Variant type: single nucleotide variant.
Coding change: c.500T>C on transcript NM_014762.4 (MANE Select); coding-DNA position 500, T replaced by C.
Protein change: p.Leu167Ser; replaces leucine 167 with serine.
Molecular consequence: missense variant.
Genome position (GRCh38, 1-based): chr1:54,875,205, A>G on the plus strand (T>C on the coding strand, the complement: DHCR24 is on the minus strand). VCF-style: chr1-54875205-A-G. GRCh37 (hg19) VCF-style: chr1-55340878-A-G.
Other names: short protein forms L167S.
Identifiers: ClinVar variation 560988 (VCV000560988.2), dbSNP rs1557437639, ClinGen allele CA340461154.